The following is an entry in ClinVar:

NM_016239.4(MYO15A):c.8968-2A>G

Gene: MYO15A (myosin XVA; plus strand). Cytogenetic location: 17p11.2.
Variant type: single nucleotide variant.
Coding change: c.8968-2A>G on transcript NM_016239.4 (MANE Select); the canonical splice acceptor site of the intron before coding-DNA position 8968, A replaced by G.
Molecular consequence: splice acceptor variant.
Genome position (GRCh38, 1-based): chr17:18,158,521, A>G. VCF-style: chr17-18158521-A-G. GRCh37 (hg19) VCF-style: chr17-18061835-A-G.
Identifiers: ClinVar variation 2969530 (VCV002969530.3), dbSNP rs1161951509, ClinGen allele CA398632127.
Genomic context (GRCh38, chr17:18,158,521, plus strand): 5'-TGACCGAAGGGCTAGGCGTGGTGTGGCCGGACTGGGCCTTCCTAGCTCCGCCTCTTCTGC[A>G]GGGTCCCCCAGTCAGGGCCCGCTCTGCTGACCATGGGGAGGACGCCCTGGCGCTCCCACC-3'

ClinVar aggregate classification (germline): Likely pathogenic (1 of 4 stars; one submission).

Allele frequency attached by ClinVar (database versions not stated): TOPMed below 0.00001.

Submission:

Labcorp Genetics (formerly Invitae), Labcorp
Classification: Likely pathogenic. Last evaluated: 2023-02-14. Review status: criteria provided, single submitter. Criteria: Invitae Variant Classification Sherloc (09022015). Collection method: clinical testing. Allele origin: germline.
Comment: This sequence change affects an acceptor splice site in intron 51 of the MYO15A gene. It is expected to disrupt RNA splicing. Variants that disrupt the donor or acceptor splice site typically lead to a loss of protein function (PMID: 16199547), and loss-of-function variants in MYO15A are known to be pathogenic (PMID: 17546645). In summary, the currently available evidence indicates that the variant is pathogenic, but additional data are needed to prove that conclusively. Therefore, this variant has been classified as Likely Pathogenic. Algorithms developed to predict the effect of sequence changes on RNA splicing suggest that this variant may disrupt the consensus splice site. This variant has not been reported in the literature in individuals affected with MYO15A-related conditions. This variant is not present in population databases (gnomAD no frequency).

Literature cited by the submitters: PubMed 16199547; PubMed 17546645.